The following is an entry in ClinVar:

NM_001013838.3(CARMIL2):c.2590G>A (p.Asp864Asn)

Gene: CARMIL2 (capping protein regulator and myosin 1 linker 2; plus strand). Cytogenetic location: 16q22.1.
Variant type: single nucleotide variant.
Coding change: c.2590G>A on transcript NM_001013838.3 (MANE Select); coding-DNA position 2590, G replaced by A.
Protein change: p.Asp864Asn; replaces aspartic acid 864 with asparagine.
Molecular consequence: missense variant.
Genome position (GRCh38, 1-based): chr16:67,651,922, G>A. VCF-style: chr16-67651922-G-A. GRCh37 (hg19) VCF-style: chr16-67685825-G-A.
Other names: c.2482G>A, p.Asp828Asn (NM_001317026.3); short protein forms D828N, D864N.
Identifiers: ClinVar variation 1391374 (VCV001391374.7), dbSNP rs2052732038, ClinGen allele CA396341872.

ClinVar aggregate classification (germline): Uncertain significance (1 of 4 stars; one submission).

Allele frequency attached by ClinVar (database versions not stated): gnomAD exomes below 0.00001; TOPMed below 0.00001.
gnomAD v4.1: 1 of 1,613,516 alleles (0.000062%); highest among the groups gnomAD compares: Admixed American, 0.0017%; no homozygotes.

Submission:

Labcorp Genetics (formerly Invitae), Labcorp
Classification: Uncertain significance. Last evaluated: 2021-02-18. Review status: criteria provided, single submitter. Criteria: Invitae Variant Classification Sherloc (09022015). Collection method: clinical testing. Allele origin: germline.
Comment: Algorithms developed to predict the effect of missense changes on protein structure and function output the following: SIFT: "Tolerated"; PolyPhen-2: "Benign"; Align-GVGD: "Class C0". The asparagine amino acid residue is found in multiple mammalian species, suggesting that this missense change does not adversely affect protein function. These predictions have not been confirmed by published functional studies and their clinical significance is uncertain. In summary, the available evidence is currently insufficient to determine the role of this variant in disease. Therefore, it has been classified as a Variant of Uncertain Significance. This sequence change replaces aspartic acid with asparagine at codon 864 of the CARMIL2 protein (p.Asp864Asn). The aspartic acid residue is moderately conserved and there is a small physicochemical difference between aspartic acid and asparagine. This variant is not present in population databases (ExAC no frequency). This variant has not been reported in the literature in individuals with CARMIL2-related conditions.